The following is an entry in ClinVar:

NM_004006.3(DMD):c.1176T>C (p.His392=)

Gene: DMD (dystrophin; minus strand). Cytogenetic location: Xp21.1.
Variant type: single nucleotide variant.
Coding change: c.1176T>C on transcript NM_004006.3 (MANE Select); coding-DNA position 1176, T replaced by C.
Protein change: p.His392=; no amino-acid change (histidine 392 retained).
Molecular consequence: synonymous variant.
Genome position (GRCh38, 1-based): chrX:32,644,287, A>G on the plus strand (T>C on the coding strand, the complement: DMD is on the minus strand). VCF-style: chrX-32644287-A-G. GRCh37 (hg19) VCF-style: chrX-32662404-A-G.
Other names: c.1152T>C, p.His384= (NM_000109.4); c.1164T>C, p.His388= (NM_004009.3); c.807T>C, p.His269= (NM_004010.3).
Identifiers: ClinVar variation 383271 (VCV000383271.11), dbSNP rs1057521572, ClinGen allele CA16609182.

ClinVar aggregate classification (germline): Likely benign. Review status: criteria provided, multiple submitters, no conflicts (2 of 4 stars). 4 submissions from 4 submitters: Likely benign (3). 1 of the submissions does not count toward it. Last evaluated 2024-05-22.

Conditions:
Cardiovascular phenotype. Identifiers: MedGen CN230736.
Duchenne muscular dystrophy (DMD). Also called: MUSCULAR DYSTROPHY, PSEUDOHYPERTROPHIC PROGRESSIVE, DUCHENNE TYPE; Duchenne Muscular Dystrophy (DMD). Identifiers: Orphanet 98896, MedGen C0013264, MONDO:0010679, OMIM 310200.
Becker muscular dystrophy (BMD). Also called: MUSCULAR DYSTROPHY, PSEUDOHYPERTROPHIC PROGRESSIVE, BECKER TYPE; Becker Muscular Dystrophy (BMD). Identifiers: Orphanet 98895, MedGen C0917713, MONDO:0010311, OMIM 300376.
Cardiomyopathy (CMYO). Also called: Cardiomyopathies. Identifiers: Orphanet 167848, MedGen C0878544, MONDO:0004994, HP:0001638. Inheritance: Various modes of inheritance.
Dystrophin deficiency.

Allele frequency attached by ClinVar (database versions not stated): gnomAD exomes below 0.00001.
gnomAD v4.1: 1 of 1,211,068 alleles (0.000083%); highest among the groups gnomAD compares: Non-Finnish European, 0.00011%; no homozygotes.

Submissions (4):

Labcorp Genetics (formerly Invitae), Labcorp
Classification: Likely benign for Duchenne muscular dystrophy. Last evaluated: 2024-05-22. Review status: criteria provided, single submitter. Criteria: Invitae Variant Classification Sherloc (09022015). Collection method: clinical testing. Allele origin: germline.

Ambry Genetics
Classification: Likely benign for Cardiovascular phenotype. Last evaluated: 2024-02-16. Review status: criteria provided, single submitter. Criteria: Ambry Variant Classification Scheme 2023. Collection method: clinical testing. Allele origin: germline.

GeneDx
Classification: Likely benign. Last evaluated: 2016-02-02. Review status: criteria provided, single submitter. Criteria: GeneDx Variant Classification (06012015). Collection method: clinical testing. Allele origin: germline. Affected: yes.
Comment: This variant is considered likely benign or benign based on one or more of the following criteria: it is a conservative change, it occurs at a poorly conserved position in the protein, it is predicted to be benign by multiple in silico algorithms, and/or has population frequency not consistent with disease.

Natera, Inc.
Classification: Likely benign for Becker muscular dystrophy; Cardiomyopathy; Duchenne muscular dystrophy; Dystrophin deficiency. Last evaluated: 2019-07-10. Review status: no assertion criteria provided. Collection method: clinical testing. Allele origin: germline. Not counted in ClinVar's aggregate classification.